The following is an entry in ClinVar:

ClinVar aggregate classification (germline): Uncertain significance (1 of 4 stars; one submission).

Conditions:
Dilated cardiomyopathy 1G (CMD1G). Identifiers: Orphanet 154, MedGen C1858763, MONDO:0011400, OMIM 604145.
Autosomal recessive limb-girdle muscular dystrophy type 2J (LGMDR10). Also called: Limb-girdle muscular dystrophy, type 2J; MUSCULAR DYSTROPHY, LIMB-GIRDLE, AUTOSOMAL RECESSIVE 10. Identifiers: Orphanet 140922, MedGen C1837342, MONDO:0012127, OMIM 608807.

Submission:

Labcorp Genetics (formerly Invitae), Labcorp
Classification: Uncertain significance for Dilated cardiomyopathy 1G; Autosomal recessive limb-girdle muscular dystrophy type 2J. Last evaluated: 2024-01-03. Review status: criteria provided, single submitter. Criteria: Invitae Variant Classification Sherloc (09022015). Collection method: clinical testing. Allele origin: germline.
Comment: This sequence change replaces alanine, which is neutral and non-polar, with valine, which is neutral and non-polar, at codon 34715 of the TTN protein (p.Ala34715Val). This variant is not present in population databases (gnomAD no frequency). This variant has not been reported in the literature in individuals affected with TTN-related conditions. Experimental studies and prediction algorithms are not available or were not evaluated, and the functional significance of this variant is currently unknown. This variant is located in the M band of TTN (PMID: 25589632). Non-truncating variants in this region may be relevant for neuromuscular disorders, but have not been definitively shown to cause cardiomyopathy (PMID: 23975875). In summary, the available evidence is currently insufficient to determine the role of this variant in disease. Therefore, it has been classified as a Variant of Uncertain Significance.

Literature cited by the submitters: PubMed 25589632; PubMed 23975875.

NM_001267550.2(TTN):c.104144C>T (p.Ala34715Val)

Genes: TTN-AS1 (TTN antisense RNA 1; plus strand), TTN (titin; minus strand). Cytogenetic location: 2q31.2.
Variant type: single nucleotide variant.
Coding change: c.104144C>T on transcript NM_001267550.2 (MANE Select); coding-DNA position 104144, C replaced by T.
Protein change: p.Ala34715Val; replaces alanine 34715 with valine.
Molecular consequence: missense variant.
Genome position (GRCh38, 1-based): chr2:178,532,471, G>A on the plus strand (C>T on the coding strand, the complement: TTN is on the minus strand). VCF-style: chr2-178532471-G-A. GRCh37 (hg19) VCF-style: chr2-179397198-G-A.
Other names: c.99221C>T, p.Ala33074Val (NM_001256850.1); c.76949C>T, p.Ala25650Val (NM_003319.4); c.96440C>T, p.Ala32147Val (NM_133378.4); c.77324C>T, p.Ala25775Val (NM_133432.3); c.77525C>T, p.Ala25842Val (NM_133437.4); short protein forms A25650V, A25775V, A32147V, A33074V, A34715V, A25842V.
Identifiers: ClinVar variation 2951698 (VCV002951698.3), dbSNP rs2468453274, ClinGen allele CA349412375.